The following is an entry in ClinVar:

NM_003441.4(ZNF141):c.1335T>C (p.His445=)

Gene: ZNF141 (zinc finger protein 141; plus strand). Cytogenetic location: 4p16.3.
Variant type: single nucleotide variant.
Coding change: c.1335T>C on transcript NM_003441.4 (MANE Select); coding-DNA position 1335, T replaced by C.
Protein change: p.His445=; no amino-acid change (histidine 445 retained).
Molecular consequence: synonymous variant. On other transcripts: intron variant (1).
Genome position (GRCh38, 1-based): chr4:373,772, T>C. VCF-style: chr4-373772-T-C. GRCh37 (hg19) VCF-style: chr4-367561-T-C.
Other names: c.1107T>C, p.His369= (NM_001348277.2); c.570+765T>C (NM_001348278.2).
Identifiers: ClinVar variation 3029094 (VCV003029094.2), dbSNP rs2474289214, ClinGen allele CA438052141.
Genomic context (GRCh38, chr4:373,772, plus strand): 5'-TAAAGAATGTGACAAAGCCTTTAAACAATTTTCGCTCCTGAGTCAACATAAGAAAATTCA[T>C]ACTGTAGATAAACCCTACAAATGTAAAGATTGTGACAAAGCCTTTAAACGGTTCTCACAC-3'
Protein context (NP_003432.1, residues 435-455): FSLLSQHKKI[His445=]TVDKPYKCKD

ClinVar aggregate classification (germline): Likely benign (0 of 4 stars; one submission).

Conditions:
ZNF141-related disorder. Also called: ZNF141-related condition.

Allele frequency attached by ClinVar (database versions not stated): gnomAD exomes below 0.00001.
gnomAD v4.1: 2 of 1,614,176 alleles (0.00012%); highest among the groups gnomAD compares: East Asian, 0.0022%; no homozygotes.

Submission:

PreventionGenetics, part of Exact Sciences
Classification: Likely benign for ZNF141-related condition. Last evaluated: 2021-09-10. Review status: no assertion criteria provided. Collection method: clinical testing. Allele origin: germline.
Comment: This variant is classified as likely benign based on ACMG/AMP sequence variant interpretation guidelines (Richards et al. 2015 PMID: 25741868, with internal and published modifications).